The following is an entry in ClinVar:

ClinVar aggregate classification (germline): Uncertain significance (1 of 4 stars; one submission).

Allele frequency attached by ClinVar (database versions not stated): TOPMed below 0.00001.

Submission:

Labcorp Genetics (formerly Invitae), Labcorp
Classification: Uncertain significance. Last evaluated: 2022-03-21. Review status: criteria provided, single submitter. Criteria: Invitae Variant Classification Sherloc (09022015). Collection method: clinical testing. Allele origin: germline.
Comment: This sequence change falls in intron 56 of the ADGRV1 gene. It does not directly change the encoded amino acid sequence of the ADGRV1 protein. It affects a nucleotide within the consensus splice site. This variant is not present in population databases (gnomAD no frequency). This variant has not been reported in the literature in individuals affected with ADGRV1-related conditions. Variants that disrupt the consensus splice site are a relatively common cause of aberrant splicing (PMID: 17576681, 9536098). Algorithms developed to predict the effect of sequence changes on RNA splicing suggest that this variant may disrupt the consensus splice site. In summary, the available evidence is currently insufficient to determine the role of this variant in disease. Therefore, it has been classified as a Variant of Uncertain Significance.

Literature cited by the submitters: PubMed 17576681; PubMed 9536098.

NM_032119.4(ADGRV1):c.11757+5G>A

Gene: ADGRV1 (adhesion G protein-coupled receptor V1; plus strand). Cytogenetic location: 5q14.3.
Variant type: single nucleotide variant.
Coding change: c.11757+5G>A on transcript NM_032119.4 (MANE Select); 5 bases into the intron after coding-DNA position 11757, G replaced by A.
Molecular consequence: intron variant.
Genome position (GRCh38, 1-based): chr5:90,756,635, G>A. VCF-style: chr5-90756635-G-A. GRCh37 (hg19) VCF-style: chr5-90052452-G-A.
Identifiers: ClinVar variation 2083993 (VCV002083993.1), dbSNP rs1755862241, ClinGen allele CA1562886837.